The following is an entry in ClinVar:

NM_001330288.2(SMARCC2):c.601G>T (p.Val201Phe)

Gene: SMARCC2 (SWI/SNF related BAF chromatin remodeling complex subunit C2; minus strand). Cytogenetic location: 12q13.2.
Variant type: single nucleotide variant.
Coding change: c.601G>T on transcript NM_001330288.2 (MANE Select); coding-DNA position 601, G replaced by T.
Protein change: p.Val201Phe; replaces valine 201 with phenylalanine.
Molecular consequence: missense variant.
Genome position (GRCh38, 1-based): chr12:56,183,892, C>A on the plus strand (G>T on the coding strand, the complement: SMARCC2 is on the minus strand). VCF-style: chr12-56183892-C-A. GRCh37 (hg19) VCF-style: chr12-56577676-C-A.
Other names: c.601G>T, p.Val201Phe (NM_001130420.3, NM_003075.5, NM_139067.4); short protein forms V201F.
Identifiers: ClinVar variation 3364340 (VCV003364340.1).

ClinVar aggregate classification (germline): Uncertain significance (1 of 4 stars; one submission).

Submission:

GeneDx
Classification: Uncertain significance. Last evaluated: 2023-11-12. Review status: criteria provided, single submitter. Criteria: GeneDx Variant Classification Process June 2021. Collection method: clinical testing. Allele origin: germline. Affected: yes.
Comment: Not observed at significant frequency in large population cohorts (gnomAD); In silico analysis supports that this missense variant has a deleterious effect on protein structure/function; Has not been previously published as pathogenic or benign to our knowledge